The following is an entry in ClinVar:

NM_007217.4(PDCD10):c.333dup (p.Gln112fs)

Gene: PDCD10 (programmed cell death 10; minus strand). Cytogenetic location: 3q26.1.
Variant type: Duplication.
Coding change: c.333dup on transcript NM_007217.4 (MANE Select); coding-DNA position 333, one base duplicated (A; older notation c.333dupA).
Protein change: p.Gln112fs; shifts the reading frame from glutamine 112.
Molecular consequence: frameshift variant.
Genome position (GRCh38, 1-based): chr3:167,695,658, T duplicated on the plus strand (A on the coding strand, the reverse complement: PDCD10 is on the minus strand); the first of 3 consecutive T bases (chr3:167,695,658-167,695,660); duplicating any one gives the same sequence. VCF-style (leftmost placement, unchanged base first): chr3-167695657-G-GT. GRCh37 (hg19) VCF-style: chr3-167413445-G-GT.
Other names: c.333dup, p.Gln112fs (NM_145859.2, NM_145860.2); c.333dupA (NM_145860.1); short protein forms Q112fs.
Identifiers: ClinVar variation 567872 (VCV000567872.8), dbSNP rs1559952317, ClinGen allele CA891842643.

ClinVar aggregate classification (germline): Pathogenic (1 of 4 stars; one submission).

Conditions:
Cerebral cavernous malformation 3. Also called: Familial Cerebral Cavernous Malformation 3. Identifiers: Orphanet 221061, MedGen C1864040, MONDO:0011305, OMIM 603285.

Submission:

Labcorp Genetics (formerly Invitae), Labcorp
Classification: Pathogenic for Cerebral cavernous malformation 3. Last evaluated: 2018-05-10. Review status: criteria provided, single submitter. Criteria: Invitae Variant Classification Sherloc (09022015). Collection method: clinical testing. Allele origin: germline.
Comment: This sequence change creates a premature translational stop signal (p.Gln112Thrfs*5) in the PDCD10 gene. It is expected to result in an absent or disrupted protein product. This variant is not present in population databases (ExAC no frequency). This variant has not been reported in the literature in individuals with PDCD10-related disease. Loss-of-function variants in PDCD10 are known to be pathogenic (PMID: 15543491, 23801932). For these reasons, this variant has been classified as Pathogenic.

Literature cited by the submitters: PubMed 15543491; PubMed 23801932.